The following is an entry in ClinVar:

ClinVar aggregate classification (germline): Likely benign. Review status: criteria provided, single submitter (1 of 4 stars). 2 submissions from 1 submitter: Likely benign (2). Last evaluated 2018-01-12.

Conditions:
Susceptibility to mononeuropathy of the median nerve, mild. Also called: CARPAL TUNNEL SYNDROME, SUSCEPTIBILITY TO. Identifiers: MedGen C3150596, MONDO:0013237, OMIM 613353.
Charcot-Marie-Tooth disease type 4C (CMT4C). Also called: CHARCOT-MARIE-TOOTH DISEASE, DEMYELINATING, AUTOSOMAL RECESSIVE, TYPE 4C; CMT 4C; Charcot-Marie-Tooth Neuropathy Type 4C (CMT4C); CHARCOT-MARIE-TOOTH DISEASE, DEMYELINATING, TYPE 4C; SH3TC2-Related Hereditary Motor and Sensory Neuropathy. Identifiers: Orphanet 99949, MedGen C1866636, MONDO:0011113, OMIM 601596.

Allele frequency attached by ClinVar (database versions not stated): gnomAD 0.00125; TOPMed 0.00131; 1000 Genomes Project 30x 0.00172; 1000 Genomes Project 0.00200.
gnomAD v4.1: 186 of 151,858 alleles (0.12%); highest among the groups gnomAD compares: African/African-American, 0.43%; 1 homozygote.

Submissions (2):

Illumina Laboratory Services, Illumina
Classification: Likely benign for Susceptibility to mononeuropathy of the median nerve, mild. Last evaluated: 2018-01-12. Review status: criteria provided, single submitter. Criteria: ICSL Variant Classification Criteria 13 December 2019. Collection method: clinical testing. Allele origin: germline.
Comment: This variant was observed in the ICSL laboratory as part of a predisposition screen in an ostensibly healthy population. It had not been previously curated by ICSL or reported in the Human Gene Mutation Database (HGMD: prior to June 1st, 2018), and was therefore a candidate for classification through an automated scoring system. Utilizing variant allele frequency, disease prevalence and penetrance estimates, and inheritance mode, an automated score was calculated to assess if this variant is too frequent to cause the disease. Based on the score and internal cut-off values, a variant classified as likely benign is not then subjected to further curation. The score for this variant resulted in a classification of likely benign for this disease.

Illumina Laboratory Services, Illumina
Classification: Likely benign for Charcot-Marie-Tooth disease type 4C. Last evaluated: 2018-01-12. Review status: criteria provided, single submitter. Criteria: ICSL Variant Classification Criteria 13 December 2019. Collection method: clinical testing. Allele origin: germline.
Comment: the same text as in the submission from Illumina Laboratory Services, Illumina above.

NM_024577.4(SH3TC2):c.*18476T>C

Gene: SH3TC2 (SH3 domain and tetratricopeptide repeats 2; minus strand). Cytogenetic location: 5q32.
Variant type: single nucleotide variant.
Coding change: c.*18476T>C on transcript NM_024577.4 (MANE Select); 18476 bases downstream of the stop codon, T replaced by C.
Molecular consequence: 3 prime UTR variant.
Genome position (GRCh38, 1-based): chr5:148,986,235, A>G on the plus strand (T>C on the coding strand, the complement: SH3TC2 is on the minus strand). VCF-style: chr5-148986235-A-G. GRCh37 (hg19) VCF-style: chr5-148365798-A-G.
Identifiers: ClinVar variation 351611 (VCV000351611.5), dbSNP rs185251230, ClinGen allele CA10623121.